The following is an entry in ClinVar:

ClinVar aggregate classification (germline): Uncertain significance. Review status: criteria provided, single submitter (1 of 4 stars). 2 submissions from 2 submitters: Uncertain significance (1). 1 of the submissions does not count toward it. Last evaluated 2024-04-09.

Allele frequency attached by ClinVar (database versions not stated): gnomAD 0.00001; gnomAD exomes 0.00002 and 0.00004; ExAC 0.00003; TOPMed 0.00004.
gnomAD v4.1: 40 of 1,614,072 alleles (0.0025%); highest among the groups gnomAD compares: East Asian, 0.016%; no homozygotes.

Submissions (2):

Ambry Genetics
Classification: Uncertain significance. Last evaluated: 2024-04-09. Review status: criteria provided, single submitter. Criteria: Ambry Variant Classification Scheme 2023. Collection method: clinical testing. Allele origin: germline.

Department of Pathology and Laboratory Medicine, Sinai Health System
Classification: Uncertain significance. Review status: no assertion criteria provided. Collection method: clinical testing. Allele origin: unknown. Affected: yes. Study: The Canadian Open Genetics Repository (COGR). Not counted in ClinVar's aggregate classification.
Comment: The ABCC11 p.Arg646Cys variant was not identified in the literature nor was it identified in ClinVar. The variant was identified in dbSNP (ID: rs773385493). The variant was identified in control databases in 10 of 251228 chromosomes at a frequency of 0.0000398 (Genome Aggregation Database March 6, 2019, v2.1.1). The variant was observed in the following populations: East Asian in 7 of 18382 chromosomes (freq: 0.000381), Other in 1 of 6134 chromosomes (freq: 0.000163), Latino in 1 of 34568 chromosomes (freq: 0.000029), European (non-Finnish) in 1 of 113576 chromosomes (freq: 0.000009), but was not observed in the African, Ashkenazi Jewish, European (Finnish), or South Asian populations. The p.Arg646 residue is conserved across mammals and other organisms, and computational analyses (PolyPhen-2, SIFT, AlignGVGD, BLOSUM, MutationTaster) suggest that the variant may impact the protein; however, this information is not predictive enough to assume pathogenicity. The variant occurs outside of the splicing consensus sequence and in silico or computational prediction software programs (SpliceSiteFinder, MaxEntScan, NNSPLICE, GeneSplicer) do not predict a difference in splicing. In summary, based on the above information the clinical significance of this variant cannot be determined with certainty at this time. This variant is classified as a variant of uncertain significance.

NM_001370497.1(ABCC11):c.1936C>T (p.Arg646Cys)

Gene: ABCC11 (ATP binding cassette subfamily C member 11; minus strand). Cytogenetic location: 16q12.1.
Variant type: single nucleotide variant.
Coding change: c.1936C>T on transcript NM_001370497.1 (MANE Select); coding-DNA position 1936, C replaced by T.
Protein change: p.Arg646Cys; replaces arginine 646 with cysteine.
Molecular consequence: missense variant.
Genome position (GRCh38, 1-based): chr16:48,200,422, G>A on the plus strand (C>T on the coding strand, the complement: ABCC11 is on the minus strand). VCF-style: chr16-48200422-G-A. GRCh37 (hg19) VCF-style: chr16-48234333-G-A.
Other names: c.1936C>T, p.Arg646Cys (NM_001370496.1, NM_032583.4, NM_033151.4 and 1 more transcripts); c.1936C>T (NM_032583.3); short protein forms R646C.
Identifiers: ClinVar variation 1049993 (VCV001049993.2), dbSNP rs773385493, ClinGen allele CA8043682.